The following is an entry in ClinVar:

NM_000551.4(VHL):c.340+1G>C

Gene: VHL (von Hippel-Lindau tumor suppressor; plus strand). Cytogenetic location: 3p25.3.
Variant type: single nucleotide variant.
Coding change: c.340+1G>C on transcript NM_000551.4 (MANE Select); the canonical splice donor site of the intron after coding-DNA position 340, G replaced by C.
Molecular consequence: splice donor variant.
Genome position (GRCh38, 1-based): chr3:10,142,188, G>C. VCF-style: chr3-10142188-G-C. GRCh37 (hg19) VCF-style: chr3-10183872-G-C.
Other names: NM_000551.4:c.340+1G>C; c.340+1G>C (NM_001354723.2, NM_198156.3).
Identifiers: ClinVar variation 182973 (VCV000182973.11), dbSNP rs730882032, ClinGen allele CA020282.

ClinVar aggregate classification (germline): Pathogenic/Likely pathogenic. Review status: criteria provided, multiple submitters, no conflicts (2 of 4 stars). 2 submissions from 2 submitters: Pathogenic (1); Likely pathogenic (1). Last evaluated 2025-09-13.

Conditions:
Von Hippel-Lindau syndrome (VHLS). Also called: VHL syndrome; Von Hippel-Lindau; von Hippel–Lindau syndrome. Identifiers: Orphanet 892, MedGen C0019562, MONDO:0008667, OMIM 193300. Disease mechanism: loss of function.
Chuvash polycythemia. Also called: POLYCYTHEMIA, VHL-DEPENDENT. Identifiers: Orphanet 238557, MedGen C1837915, MONDO:0009892, OMIM 263400.

Submissions (5):

Labcorp Genetics (formerly Invitae), Labcorp
Classification: Pathogenic for Von Hippel-Lindau syndrome; Chuvash polycythemia. Last evaluated: 2025-09-13. Review status: criteria provided, single submitter. Criteria: Invitae Variant Classification Sherloc (09022015). Collection method: clinical testing. Allele origin: germline.
Comment: This sequence change affects a donor splice site in intron 1 of the VHL gene. It is expected to disrupt RNA splicing. Variants that disrupt the donor or acceptor splice site typically lead to a loss of protein function (PMID: 16199547), and loss-of-function variants in VHL are known to be pathogenic (PMID: 8956040, 12202531). This variant is not present in population databases (gnomAD no frequency). Disruption of this splice site has been observed in individuals with clinical features of von Hippel-Lindau syndrome (PMID: 9829912, 27527340, 30900640). ClinVar contains an entry for this variant (Variation ID: 182973). Algorithms developed to predict the effect of sequence changes on RNA splicing suggest that this variant may disrupt the consensus splice site. For these reasons, this variant has been classified as Pathogenic.

Women's Health and Genetics/Laboratory Corporation of America, LabCorp
Classification: Likely pathogenic for Von Hippel-Lindau syndrome. Last evaluated: 2016-02-04. Review status: criteria provided, single submitter. Criteria: LabCorp Variant Classification Summary - May 2015. Collection method: clinical testing. Allele origin: germline.

Dr. Peter K. Rogan Lab, Western University
No classification provided (evidence only). Condition: Clear cell carcinoma of kidney. Review status: no classification provided. Collection method: in vitro. Allele origin: not applicable. Functional consequence: retained intron. Not counted in ClinVar's aggregate classification.

Dr. Peter K. Rogan Lab, Western University
No classification provided (evidence only). Condition: Thyroid cancer, nonmedullary, 1. Review status: no classification provided. Collection method: in vitro. Allele origin: not applicable. Functional consequence: retained intron. Not counted in ClinVar's aggregate classification.

MutSpliceDB: a database of splice sites variants effects on splicing, NIH
No classification provided (evidence only). Review status: no classification provided. Collection method: in vivo. Allele origin: not applicable. Functional consequence: retained intron. Not counted in ClinVar's aggregate classification.

Literature cited by the submitters: PubMed 16199547 (cited by Labcorp Genetics (formerly Invitae), Labcorp); PubMed 8956040 (cited by Labcorp Genetics (formerly Invitae), Labcorp); PubMed 12202531 (cited by Labcorp Genetics (formerly Invitae), Labcorp); PubMed 9829912 (cited by Labcorp Genetics (formerly Invitae), Labcorp); PubMed 27527340 (cited by Labcorp Genetics (formerly Invitae), Labcorp); PubMed 30900640 (cited by Labcorp Genetics (formerly Invitae), Labcorp); PubMed 17919893 (cited by Women's Health and Genetics/Laboratory Corporation of America, LabCorp).